The following is an entry in ClinVar:

ClinVar aggregate classification (germline): Conflicting classifications of pathogenicity. Review status: criteria provided, conflicting classifications (1 of 4 stars). 3 submissions from 3 submitters: Uncertain significance (2); Likely benign (1). Last evaluated 2024-03-14.

Conditions:
Inborn genetic diseases. Identifiers: MedGen C0950123, MeSH D030342.
Hereditary sensory neuropathy-deafness-dementia syndrome. Also called: Hereditary sensory neuropathy type IE; HSN IE; NEUROPATHY, HEREDITARY SENSORY, WITH HEARING LOSS AND DEMENTIA; Hereditary Sensory and Autonomic Neuropathy Type 1E (HSAN1E). Identifiers: Orphanet 456318, MedGen C3279885, MONDO:0013584, OMIM 614116.

Allele frequency attached by ClinVar (database versions not stated): gnomAD 0.00001; gnomAD exomes 0.00001 and 0.00003; TOPMed 0.00001; ExAC 0.00002; ESP Exome Variant Server 0.00015.
gnomAD v4.1: 42 of 1,614,038 alleles (0.0026%); highest among the groups gnomAD compares: Non-Finnish European, 0.0033%; no homozygotes.

Submissions (3):

Labcorp Genetics (formerly Invitae), Labcorp
Classification: Uncertain significance for Hereditary sensory neuropathy-deafness-dementia syndrome. Last evaluated: 2024-03-14. Review status: criteria provided, single submitter. Criteria: Invitae Variant Classification Sherloc (09022015). Collection method: clinical testing. Allele origin: germline.
Comment: This sequence change replaces isoleucine, which is neutral and non-polar, with methionine, which is neutral and non-polar, at codon 1012 of the DNMT1 protein (p.Ile1012Met). This variant is present in population databases (rs376854079, gnomAD 0.003%). This variant has not been reported in the literature in individuals affected with DNMT1-related conditions. ClinVar contains an entry for this variant (Variation ID: 891808). Advanced modeling of protein sequence and biophysical properties (such as structural, functional, and spatial information, amino acid conservation, physicochemical variation, residue mobility, and thermodynamic stability) performed at Invitae indicates that this missense variant is expected to disrupt DNMT1 protein function with a positive predictive value of 80%. In summary, the available evidence is currently insufficient to determine the role of this variant in disease. Therefore, it has been classified as a Variant of Uncertain Significance.

Ambry Genetics
Classification: Uncertain significance for Inborn genetic diseases. Last evaluated: 2021-06-08. Review status: criteria provided, single submitter. Criteria: Ambry Variant Classification Scheme 2023. Collection method: clinical testing. Allele origin: germline.
Comment: The p.I996M variant (also known as c.2988C>G), located in coding exon 28 of the DNMT1 gene, results from a C to G substitution at nucleotide position 2988. The isoleucine at codon 996 is replaced by methionine, an amino acid with highly similar properties. This amino acid position is highly conserved in available vertebrate species. In addition, the in silico prediction for this alteration is inconclusive. Since supporting evidence is limited at this time, the clinical significance of this alteration remains unclear.

Illumina Laboratory Services, Illumina
Classification: Likely benign for Hereditary sensory neuropathy-deafness-dementia syndrome. Last evaluated: 2018-01-13. Review status: criteria provided, single submitter. Criteria: ICSL Variant Classification Criteria 13 December 2019. Collection method: clinical testing. Allele origin: germline.
Comment: This variant was observed in the ICSL laboratory as part of a predisposition screen in an ostensibly healthy population. It had not been previously curated by ICSL or reported in the Human Gene Mutation Database (HGMD: prior to June 1st, 2018), and was therefore a candidate for classification through an automated scoring system. Utilizing variant allele frequency, disease prevalence and penetrance estimates, and inheritance mode, an automated score was calculated to assess if this variant is too frequent to cause the disease. Based on the score and internal cut-off values, a variant classified as likely benign is not then subjected to further curation. The score for this variant resulted in a classification of likely benign for this disease.

NM_001130823.3(DNMT1):c.3036C>G (p.Ile1012Met)

Gene: DNMT1 (DNA methyltransferase 1; minus strand). Cytogenetic location: 19p13.2.
Variant type: single nucleotide variant.
Coding change: c.3036C>G on transcript NM_001130823.3 (MANE Select); coding-DNA position 3036, C replaced by G.
Protein change: p.Ile1012Met; replaces isoleucine 1012 with methionine.
Molecular consequence: missense variant.
Genome position (GRCh38, 1-based): chr19:10,143,846, G>C on the plus strand (C>G on the coding strand, the complement: DNMT1 is on the minus strand). VCF-style: chr19-10143846-G-C. GRCh37 (hg19) VCF-style: chr19-10254522-G-C.
Other names: c.2988C>G, p.Ile996Met (NM_001318730.2, NM_001379.4); c.2673C>G, p.Ile891Met (NM_001318731.2); short protein forms I1012M, I891M, I996M.
Identifiers: ClinVar variation 891808 (VCV000891808.10), dbSNP rs376854079, ClinGen allele CA9187876.